The following is an entry in ClinVar:

ClinVar aggregate classification (germline): Uncertain significance (1 of 4 stars; one submission).

Allele frequency attached by ClinVar (database versions not stated): TOPMed below 0.00001.

Submission:

Labcorp Genetics (formerly Invitae), Labcorp
Classification: Uncertain significance. Last evaluated: 2022-03-19. Review status: criteria provided, single submitter. Criteria: Invitae Variant Classification Sherloc (09022015). Collection method: clinical testing. Allele origin: germline.
Comment: In summary, the available evidence is currently insufficient to determine the role of this variant in disease. Therefore, it has been classified as a Variant of Uncertain Significance. Algorithms developed to predict the effect of missense changes on protein structure and function are either unavailable or do not agree on the potential impact of this missense change (SIFT: "Tolerated"; PolyPhen-2: "Probably Damaging"; Align-GVGD: "Class C0"). This variant has not been reported in the literature in individuals affected with PAX1-related conditions. This variant is not present in population databases (gnomAD no frequency). This sequence change replaces valine, which is neutral and non-polar, with leucine, which is neutral and non-polar, at codon 211 of the PAX1 protein (p.Val211Leu).

NM_001257096.2(PAX1):c.631G>T (p.Val211Leu)

Gene: PAX1 (paired box 1; plus strand). Cytogenetic location: 20p11.22.
Variant type: single nucleotide variant.
Coding change: c.631G>T on transcript NM_001257096.2 (MANE Select); coding-DNA position 631, G replaced by T.
Protein change: p.Val211Leu; replaces valine 211 with leucine.
Molecular consequence: missense variant.
Genome position (GRCh38, 1-based): chr20:21,706,782, G>T. VCF-style: chr20-21706782-G-T. GRCh37 (hg19) VCF-style: chr20-21687420-G-T.
Other names: c.631G>T, p.Val211Leu (NM_006192.5); short protein forms V211L.
Identifiers: ClinVar variation 1914207 (VCV001914207.5), dbSNP rs1985019001, ClinGen allele CA408498391.
Genomic context (GRCh38, chr20:21,706,782, plus strand): 5'-ATCTTTGCCTGGGAGATCCGCGACCGGCTGCTGGCCGACGGCGTCTGTGACAAGTACAAT[G>T]TGCCTTCGGTGAGCTCCATCAGCCGCATCCTGCGCAACAAGATCGGCAGCCTGGCGCAGC-3'
Protein context (NP_001244025.1, residues 201-221): LADGVCDKYN[Val211Leu]PSVSSISRIL